The following is an entry in ClinVar:

NM_021969.3(NR0B2):c.49C>T (p.Arg17Cys)

Genes: NR0B2 (nuclear receptor subfamily 0 group B member 2; minus strand), NUDC (nuclear distribution C, dynein complex regulator; plus strand). Cytogenetic location: 1p36.11.
Variant type: single nucleotide variant.
Coding change: c.49C>T on transcript NM_021969.3 (MANE Select); coding-DNA position 49, C replaced by T.
Protein change: p.Arg17Cys; replaces arginine 17 with cysteine.
Molecular consequence: missense variant.
Genome position (GRCh38, 1-based): chr1:26,913,892, G>A on the plus strand (C>T on the coding strand, the complement: NR0B2 is on the minus strand). VCF-style: chr1-26913892-G-A. GRCh37 (hg19) VCF-style: chr1-27240383-G-A.
Other names: short protein forms R17C.
Identifiers: ClinVar variation 4989914 (VCV004989914.1).

ClinVar aggregate classification (germline): Uncertain significance (1 of 4 stars; one submission).

Conditions:
NR0B2-related disorder. Also called: NR0B2-related condition.

gnomAD v4.1: 30 of 1,486,306 alleles (0.002%); highest among the groups gnomAD compares: Non-Finnish European, 0.0024%; no homozygotes.

Submission:

PreventionGenetics, part of Exact Sciences
Classification: Uncertain significance for NR0B2-related condition. Last evaluated: 2024-10-11. Review status: criteria provided, single submitter. Criteria: ACMG Guidelines, 2015. Collection method: clinical testing. Allele origin: germline.
Comment: The NR0B2 c.49C>T variant is predicted to result in the amino acid substitution p.Arg17Cys. To our knowledge, this variant has not been reported in the literature. This variant is reported in 0.024% of alleles in individuals of East Asian descent in gnomAD. At this time, the clinical significance of this variant is uncertain due to the absence of conclusive functional and genetic evidence.